The following is an entry in ClinVar:

NM_000545.8(HNF1A):c.1610C>G (p.Thr537Arg)

Gene: HNF1A (HNF1 homeobox A; plus strand). Cytogenetic location: 12q24.31.
Variant type: single nucleotide variant.
Coding change: c.1610C>G on transcript NM_000545.8 (MANE Select); coding-DNA position 1610, C replaced by G.
Protein change: p.Thr537Arg; replaces threonine 537 with arginine.
Molecular consequence: missense variant.
Genome position (GRCh38, 1-based): chr12:120,999,376, C>G. VCF-style: chr12-120999376-C-G. GRCh37 (hg19) VCF-style: chr12-121437179-C-G.
Other names: c.1610C>G, p.Thr537Arg (NM_001306179.2); c.1418C>G, p.Thr473Arg (NM_001406915.1); short protein forms T473R, T537R.
Identifiers: ClinVar variation 2137447 (VCV002137447.4), dbSNP rs372624970, ClinGen allele CA386972193.

ClinVar aggregate classification (germline): Uncertain significance (1 of 4 stars; one submission).

gnomAD v4.1: 2 of 1,614,060 alleles (0.00012%); highest among the groups gnomAD compares: Non-Finnish European, 0.00017%; no homozygotes.

Submission:

Labcorp Genetics (formerly Invitae), Labcorp
Classification: Uncertain significance. Last evaluated: 2022-04-26. Review status: criteria provided, single submitter. Criteria: Invitae Variant Classification Sherloc (09022015). Collection method: clinical testing. Allele origin: germline.
Comment: In summary, the available evidence is currently insufficient to determine the role of this variant in disease. Therefore, it has been classified as a Variant of Uncertain Significance. Advanced modeling of protein sequence and biophysical properties (such as structural, functional, and spatial information, amino acid conservation, physicochemical variation, residue mobility, and thermodynamic stability) performed at Invitae indicates that this missense variant is expected to disrupt HNF1A protein function. This missense change has been observed in individual(s) with clinical features of maturity onset diabetes of the young (PMID: 9626139). This variant is present in population databases (no rsID available, gnomAD 0.0009%). This sequence change replaces threonine, which is neutral and polar, with arginine, which is basic and polar, at codon 537 of the HNF1A protein (p.Thr537Arg).

Literature cited by the submitters: PubMed 9626139.